The following is an entry in ClinVar:

NM_004700.4(KCNQ4):c.834+12T>C

Gene: KCNQ4 (potassium voltage-gated channel subfamily Q member 4; plus strand). Cytogenetic location: 1p34.2.
Variant type: single nucleotide variant.
Coding change: c.834+12T>C on transcript NM_004700.4 (MANE Select); 12 bases into the intron after coding-DNA position 834, T replaced by C.
Molecular consequence: intron variant.
Genome position (GRCh38, 1-based): chr1:40,819,484, T>C. VCF-style: chr1-40819484-T-C. GRCh37 (hg19) VCF-style: chr1-41285156-T-C.
Other names: c.834+12T>C (NM_172163.3).
Identifiers: ClinVar variation 517631 (VCV000517631.4), dbSNP rs1031548085, ClinGen allele CA21112691.

ClinVar aggregate classification (germline): Likely benign (1 of 4 stars; one submission).

Allele frequency attached by ClinVar (database versions not stated): gnomAD exomes below 0.00001.
gnomAD v4.1: 2 of 1,613,322 alleles (0.00012%); highest among the groups gnomAD compares: Non-Finnish European, 0.000085%; no homozygotes.

Submission:

Laboratory for Molecular Medicine, Mass General Brigham Personalized Medicine
Classification: Likely benign. Last evaluated: 2017-10-26. Review status: criteria provided, single submitter. Criteria: LMM Criteria. Collection method: clinical testing. Allele origin: germline. Observed: 1 variant allele.
Comment: c.834+12T>C in intron 45 of KCNQ4: This variant is not expected to have clinical significance because it is not located within the splice consensus sequence and computational tools do not suggest an impact to splicing. ACMG/AMP Criteria app lied: BP4, BP7, PM2 (Richards 2015).